The following is an entry in ClinVar:

NM_000785.4(CYP27B1):c.51G>A (p.Trp17Ter)

Gene: CYP27B1 (cytochrome P450 family 27 subfamily B member 1; minus strand). Cytogenetic location: 12q14.1.
Variant type: single nucleotide variant.
Coding change: c.51G>A on transcript NM_000785.4 (MANE Select); coding-DNA position 51, G replaced by A.
Protein change: p.Trp17Ter; replaces tryptophan 17 with a stop codon.
Molecular consequence: nonsense.
Genome position (GRCh38, 1-based): chr12:57,766,991, C>T on the plus strand (G>A on the coding strand, the complement: CYP27B1 is on the minus strand). VCF-style: chr12-57766991-C-T. GRCh37 (hg19) VCF-style: chr12-58160774-C-T.
Other names: short protein forms W17*.
Identifiers: ClinVar variation 1074854 (VCV001074854.7), dbSNP rs2140398340, ClinGen allele CA385510247.
Genomic context (GRCh38, chr12:57,766,991, plus strand): 5'-CAAGCTCCGGCGTGCTGAGTGGTACTCTCGGTAGCCTAGGGAGGCGCCCAACTCGGGCGC[C>T]CAGCGGACGCGATGGAACACTCTGGAGGCGTACTTGAGGGTCTGGGTCATGGTCTGGTTC-3'

ClinVar aggregate classification (germline): Pathogenic (1 of 4 stars; one submission).

Submission:

Labcorp Genetics (formerly Invitae), Labcorp
Classification: Pathogenic. Last evaluated: 2020-01-27. Review status: criteria provided, single submitter. Criteria: Invitae Variant Classification Sherloc (09022015). Collection method: clinical testing. Allele origin: germline.
Comment: This variant has not been reported in the literature in individuals with CYP27B1-related conditions. Loss-of-function variants in CYP27B1 are known to be pathogenic (PMID: 9837822, 17488797). For these reasons, this variant has been classified as Pathogenic. This variant is not present in population databases (ExAC no frequency). This sequence change creates a premature translational stop signal (p.Trp17*) in the CYP27B1 gene. It is expected to result in an absent or disrupted protein product.

Literature cited by the submitters: PubMed 9837822; PubMed 17488797.